The following is an entry in ClinVar:

ClinVar aggregate classification (germline): Uncertain significance (1 of 4 stars; one submission).

Conditions:
Fanconi anemia (FA). Also called: Fanconi's anemia. Identifiers: Orphanet 84, MedGen C0015625, MeSH D005199, MONDO:0019391.

Allele frequency attached by ClinVar (database versions not stated): ExAC 0.00001; gnomAD 0.00001; gnomAD exomes 0.00001; TOPMed 0.00002.
gnomAD v4.1: 2 of 1,209,356 alleles (0.00017%); highest among the groups gnomAD compares: Non-Finnish European, 0.00022%; no homozygotes.

Submission:

Labcorp Genetics (formerly Invitae), Labcorp
Classification: Uncertain significance for Fanconi anemia. Last evaluated: 2023-11-28. Review status: criteria provided, single submitter. Criteria: Invitae Variant Classification Sherloc (09022015). Collection method: clinical testing. Allele origin: germline.
Comment: This sequence change replaces threonine, which is neutral and polar, with alanine, which is neutral and non-polar, at codon 272 of the FANCB protein (p.Thr272Ala). This variant is present in population databases (rs769701122, gnomAD 0.002%), including at least one homozygous and/or hemizygous individual. This variant has not been reported in the literature in individuals affected with FANCB-related conditions. ClinVar contains an entry for this variant (Variation ID: 1523843). Advanced modeling of protein sequence and biophysical properties (such as structural, functional, and spatial information, amino acid conservation, physicochemical variation, residue mobility, and thermodynamic stability) performed at Invitae indicates that this missense variant is not expected to disrupt FANCB protein function with a negative predictive value of 80%. In summary, the available evidence is currently insufficient to determine the role of this variant in disease. Therefore, it has been classified as a Variant of Uncertain Significance.

NM_001018113.3(FANCB):c.814A>G (p.Thr272Ala)

Gene: FANCB (FA complementation group B; minus strand). Cytogenetic location: Xp22.2.
Variant type: single nucleotide variant.
Coding change: c.814A>G on transcript NM_001018113.3 (MANE Select); coding-DNA position 814, A replaced by G.
Protein change: p.Thr272Ala; replaces threonine 272 with alanine.
Molecular consequence: missense variant.
Genome position (GRCh38, 1-based): chrX:14,864,697, T>C on the plus strand (A>G on the coding strand, the complement: FANCB is on the minus strand). VCF-style: chrX-14864697-T-C. GRCh37 (hg19) VCF-style: chrX-14882819-T-C.
Other names: c.814A>G, p.Thr272Ala (NM_001324162.2, NM_152633.4); short protein forms T272A.
Identifiers: ClinVar variation 1523843 (VCV001523843.6), dbSNP rs769701122, ClinGen allele CA10353167.